The following is an entry in ClinVar:

ClinVar aggregate classification (germline): Uncertain significance (1 of 4 stars; one submission).

Conditions:
Infantile spasms. Also called: Infantile spasm. Identifiers: MedGen C3887898, HP:0012469.

Submission:

Labcorp Genetics (formerly Invitae), Labcorp
Classification: Uncertain significance for Infantile spasms. Last evaluated: 2024-11-26. Review status: criteria provided, single submitter. Criteria: Invitae Variant Classification Sherloc (09022015). Collection method: clinical testing. Allele origin: germline.
Comment: This sequence change replaces valine, which is neutral and non-polar, with leucine, which is neutral and non-polar, at codon 751 of the PIK3AP1 protein (p.Val751Leu). This variant is not present in population databases (gnomAD no frequency). This variant has not been reported in the literature in individuals affected with PIK3AP1-related conditions. An algorithm developed to predict the effect of missense changes on protein structure and function (PolyPhen-2) suggests that this variant is likely to be tolerated. In summary, the available evidence is currently insufficient to determine the role of this variant in disease. Therefore, it has been classified as a Variant of Uncertain Significance.

NM_152309.3(PIK3AP1):c.2251G>C (p.Val751Leu)

Gene: PIK3AP1 (phosphoinositide-3-kinase adaptor protein 1; minus strand). Cytogenetic location: 10q24.1.
Variant type: single nucleotide variant.
Coding change: c.2251G>C on transcript NM_152309.3 (MANE Select); coding-DNA position 2251, G replaced by C.
Protein change: p.Val751Leu; replaces valine 751 with leucine.
Molecular consequence: missense variant.
Genome position (GRCh38, 1-based): chr10:96,602,389, C>G on the plus strand (G>C on the coding strand, the complement: PIK3AP1 is on the minus strand). VCF-style: chr10-96602389-C-G. GRCh37 (hg19) VCF-style: chr10-98362146-C-G.
Other names: short protein forms V751L.
Identifiers: ClinVar variation 3726085 (VCV003726085.2).